The following is an entry in ClinVar:

ClinVar aggregate classification (germline): Likely pathogenic (1 of 4 stars; one submission).

Conditions:
Marinesco-Sjögren syndrome (MSS). Also called: Marinesco-Sjogren Syndrome; Marinesco-SjÃ¶gren syndrome. Identifiers: Orphanet 559, MedGen C0024814, MONDO:0009567, OMIM 248800.

Submission:

Juno Genomics, Hangzhou Juno Genomics, Inc
Classification: Likely pathogenic for Marinesco-Sjögren syndrome. Review status: criteria provided, single submitter. Criteria: ACMG Guidelines, 2015. Collection method: clinical testing. Allele origin: germline.
Comment: Null variant in a gene where loss of function (LOF) is a known mechanism of disease.;Absent from controls (or at extremely low frequency if recessive) in Genome Aggregation Database.

NM_022464.5(SIL1):c.215del (p.Pro72fs)

Gene: SIL1 (SIL1 nucleotide exchange factor; minus strand). Cytogenetic location: 5q31.2.
Variant type: Deletion.
Coding change: c.215del on transcript NM_022464.5 (MANE Select); coding-DNA position 215, one base deleted (C; older notation c.215delC).
Protein change: p.Pro72fs; shifts the reading frame from proline 72.
Molecular consequence: frameshift variant.
Genome position (GRCh38, 1-based): chr5:139,121,064, G deleted on the plus strand (C on the coding strand, the reverse complement: SIL1 is on the minus strand); the first of 3 consecutive G bases (chr5:139,121,064-139,121,066); deleting any one gives the same sequence. VCF-style (leftmost placement, unchanged base first): chr5-139121063-CG-C. GRCh37 (hg19) VCF-style: chr5-138456752-CG-C.
Other names: c.215del, p.Pro72fs (NM_001037633.2); short protein forms P72fs.
Identifiers: ClinVar variation 5006844 (VCV005006844.2).